The following is an entry in ClinVar:

NM_005802.5(TOPORS):c.2797G>T (p.Asp933Tyr)

Gene: TOPORS (TOP1 binding arginine/serine rich protein, E3 ubiquitin ligase; minus strand). Cytogenetic location: 9p21.1.
Variant type: single nucleotide variant.
Coding change: c.2797G>T on transcript NM_005802.5 (MANE Select); coding-DNA position 2797, G replaced by T.
Protein change: p.Asp933Tyr; replaces aspartic acid 933 with tyrosine.
Molecular consequence: missense variant.
Genome position (GRCh38, 1-based): chr9:32,541,728, C>A on the plus strand (G>T on the coding strand, the complement: TOPORS is on the minus strand). VCF-style: chr9-32541728-C-A. GRCh37 (hg19) VCF-style: chr9-32541726-C-A.
Other names: c.2602G>T, p.Asp868Tyr (NM_001195622.2); short protein forms D933Y, D868Y.
Identifiers: ClinVar variation 366561 (VCV000366561.8), dbSNP rs761851969, ClinGen allele CA10633807.

ClinVar aggregate classification (germline): Uncertain significance. Review status: criteria provided, multiple submitters, no conflicts (2 of 4 stars). 2 submissions from 2 submitters: Uncertain significance (2). Last evaluated 2024-11-08.

Conditions:
Retinitis pigmentosa (RP). Identifiers: Orphanet 791, MedGen C0035334, MeSH D012174, MONDO:0019200, OMIM 268000. Inheritance: Autosomal dominant, autosomal recessive and X linked inheritance.

gnomAD v4.1: 3 of 1,614,166 alleles (0.00019%); highest among the groups gnomAD compares: Non-Finnish European, 0.00025%; no homozygotes.

Submissions (2):

Labcorp Genetics (formerly Invitae), Labcorp
Classification: Uncertain significance. Last evaluated: 2024-11-08. Review status: criteria provided, single submitter. Criteria: Invitae Variant Classification Sherloc (09022015). Collection method: clinical testing. Allele origin: germline.
Comment: This sequence change replaces aspartic acid, which is acidic and polar, with tyrosine, which is neutral and polar, at codon 933 of the TOPORS protein (p.Asp933Tyr). This variant is not present in population databases (gnomAD no frequency). This variant has not been reported in the literature in individuals affected with TOPORS-related conditions. ClinVar contains an entry for this variant (Variation ID: 366561). Experimental studies and prediction algorithms are not available or were not evaluated, and the functional significance of this variant is currently unknown. In summary, the available evidence is currently insufficient to determine the role of this variant in disease. Therefore, it has been classified as a Variant of Uncertain Significance.

Illumina Laboratory Services, Illumina
Classification: Uncertain significance for Retinitis pigmentosa. Last evaluated: 2018-01-13. Review status: criteria provided, single submitter. Criteria: ICSL Variant Classification Criteria 13 December 2019. Collection method: clinical testing. Allele origin: germline.